The following is an entry in ClinVar:

ClinVar aggregate classification (germline): Likely benign (1 of 4 stars; one submission).

Submission:

CeGaT Center for Human Genetics Tuebingen
Classification: Likely benign. Last evaluated: 2026-03-01. Review status: criteria provided, single submitter. Criteria: CeGaT Center For Human Genetics Tuebingen Variant Classification Criteria Version 2. Collection method: clinical testing. Allele origin: germline. Affected: yes. Observed: 1 variant allele.
Comment: GIPC3: BP4, BP7

NM_133261.3(GIPC3):c.*869G>A

Gene: GIPC3 (GIPC PDZ domain containing family member 3; plus strand). Cytogenetic location: 19p13.3.
Variant type: single nucleotide variant.
Coding change: c.*869G>A on transcript NM_133261.3 (MANE Select); 869 bases downstream of the stop codon, G replaced by A.
Molecular consequence: 3 prime UTR variant. On other transcripts: synonymous variant (1).
Genome position (GRCh38, 1-based): chr19:3,591,059, G>A. VCF-style: chr19-3591059-G-A. GRCh37 (hg19) VCF-style: chr19-3591057-G-A.
Other names: c.1821G>A, p.Pro607= (NM_001411144.1).
Identifiers: ClinVar variation 4821862 (VCV004821862.4).